The following is an entry in ClinVar:

ClinVar aggregate classification (germline): Uncertain significance (1 of 4 stars; one submission).

Submission:

Ambry Genetics
Classification: Uncertain significance. Last evaluated: 2025-12-19. Review status: criteria provided, single submitter. Criteria: Ambry Variant Classification Scheme 2023. Collection method: clinical testing. Allele origin: germline.
Comment: The p.I1476T variant (also known as c.4427T>C), located in coding exon 40 of the KIF1B gene, results from a T to C substitution at nucleotide position 4427. The isoleucine at codon 1476 is replaced by threonine, an amino acid with similar properties. This amino acid position is conserved. In addition, this alteration is predicted to be tolerated by in silico analysis. Since supporting evidence is limited at this time, the clinical significance of this alteration remains unclear.

NM_001365951.3(KIF1B):c.4565T>C (p.Ile1522Thr)

Gene: KIF1B (kinesin family member 1B; plus strand). Cytogenetic location: 1p36.22.
Variant type: single nucleotide variant.
Coding change: c.4565T>C on transcript NM_001365951.3 (MANE Select); coding-DNA position 4565, T replaced by C.
Protein change: p.Ile1522Thr; replaces isoleucine 1522 with threonine.
Molecular consequence: missense variant.
Genome position (GRCh38, 1-based): chr1:10,365,461, T>C. VCF-style: chr1-10365461-T-C. GRCh37 (hg19) VCF-style: chr1-10425519-T-C.
Other names: c.4565T>C, p.Ile1522Thr (NM_001365952.1); c.4427T>C, p.Ile1476Thr (NM_015074.3); short protein forms I1476T, I1522T.
Identifiers: ClinVar variation 3226499 (VCV003226499.2), dbSNP rs1159965084, ClinGen allele CA338321860.